The following is an entry in ClinVar:

NM_025114.4(CEP290):c.2681A>T (p.Lys894Ile)

Gene: CEP290 (centrosomal protein 290; minus strand). Cytogenetic location: 12q21.32.
Variant type: single nucleotide variant.
Coding change: c.2681A>T on transcript NM_025114.4 (MANE Select); coding-DNA position 2681, A replaced by T.
Protein change: p.Lys894Ile; replaces lysine 894 with isoleucine.
Molecular consequence: missense variant.
Genome position (GRCh38, 1-based): chr12:88,106,811, T>A on the plus strand (A>T on the coding strand, the complement: CEP290 is on the minus strand). VCF-style: chr12-88106811-T-A. GRCh37 (hg19) VCF-style: chr12-88500588-T-A.
Other names: short protein forms K894I.
Identifiers: ClinVar variation 1366416 (VCV001366416.8), dbSNP rs2137616560, ClinGen allele CA385971221.

ClinVar aggregate classification (germline): Uncertain significance (1 of 4 stars; one submission).

Conditions:
Joubert syndrome. Also called: CEREBELLOPARENCHYMAL DISORDER IV; JOUBERT-BOLTSHAUSER SYNDROME; Familial aplasia of the vermis. Identifiers: Orphanet 475, MedGen C5979921, MONDO:0018772.
Nephronophthisis. Also called: Juvenile Nephronophthisis. Identifiers: Orphanet 655, MedGen C0687120, MONDO:0019005, HP:0000090.
Meckel-Gruber syndrome. Also called: DYSENCEPHALIA SPLANCHNOCYSTICA; GRUBER SYNDROME; Dysencephalia splachnocystica. Identifiers: Orphanet 564, MedGen C0265215, MONDO:0018921.

Submission:

Labcorp Genetics (formerly Invitae), Labcorp
Classification: Uncertain significance for Joubert syndrome; Meckel-Gruber syndrome; Nephronophthisis. Last evaluated: 2024-07-22. Review status: criteria provided, single submitter. Criteria: Invitae Variant Classification Sherloc (09022015). Collection method: clinical testing. Allele origin: germline.
Comment: This sequence change replaces lysine, which is basic and polar, with isoleucine, which is neutral and non-polar, at codon 894 of the CEP290 protein (p.Lys894Ile). This variant is not present in population databases (gnomAD no frequency). This variant has not been reported in the literature in individuals affected with CEP290-related conditions. ClinVar contains an entry for this variant (Variation ID: 1366416). Advanced modeling of protein sequence and biophysical properties (such as structural, functional, and spatial information, amino acid conservation, physicochemical variation, residue mobility, and thermodynamic stability) performed at Invitae indicates that this missense variant is expected to disrupt CEP290 protein function with a positive predictive value of 80%. In summary, the available evidence is currently insufficient to determine the role of this variant in disease. Therefore, it has been classified as a Variant of Uncertain Significance.